The following is an entry in ClinVar:

NM_004415.4(DSP):c.8304C>T (p.Ser2768=)

Gene: DSP (desmoplakin; plus strand). Cytogenetic location: 6p24.3.
Variant type: single nucleotide variant.
Coding change: c.8304C>T on transcript NM_004415.4 (MANE Select); coding-DNA position 8304, C replaced by T.
Protein change: p.Ser2768=; no amino-acid change (serine 2768 retained).
Molecular consequence: synonymous variant.
Genome position (GRCh38, 1-based): chr6:7,585,566, C>T. VCF-style: chr6-7585566-C-T. GRCh37 (hg19) VCF-style: chr6-7585799-C-T.
Other names: c.6507C>T, p.Ser2169= (NM_001008844.3); c.6975C>T, p.Ser2325= (NM_001319034.2).
Identifiers: ClinVar variation 3386735 (VCV003386735.1).
Genomic context (GRCh38, chr6:7,585,566, plus strand): 5'-AGAAGCCATCCGGAAGGGGTTCATAGATGGCCGCGCCGCACAGAGGCTGCAAGACACCAG[C>T]AGCTATGCCAAAATCCTGACCTGCCCCAAAACCAAATTAAAAATATCCTATAAGGATGCC-3'
Protein context (NP_004406.2, residues 2758-2778): GRAAQRLQDT[Ser2768=]SYAKILTCPK

ClinVar aggregate classification (germline): Likely benign (1 of 4 stars; one submission).

Conditions:
Arrhythmogenic cardiomyopathy with wooly hair and keratoderma. Also called: Carvajal syndrome; PALMOPLANTAR KERATODERMA WITH LEFT VENTRICULAR CARDIOMYOPATHY AND WOOLLY HAIR; Dilated cardiomyopathy with woolly hair and keratoderma; Arrhythmogenic cardiomyopathy with woolly hair and keratoderma. Identifiers: Orphanet 65282, MedGen C1854063, MONDO:0011581, OMIM 605676.

gnomAD v4.1: 4 of 1,614,172 alleles (0.00025%); highest among the groups gnomAD compares: South Asian, 0.0022%; no homozygotes.

Submission:

All of Us Research Program, National Institutes of Health
Classification: Likely benign for Arrhythmogenic cardiomyopathy with wooly hair and keratoderma. Last evaluated: 2024-03-24. Review status: criteria provided, single submitter. Criteria: ACMG Guidelines, 2015. Collection method: clinical testing. Allele origin: germline. Inheritance: Autosomal dominant inheritance. Observed: 1 variant allele, 1 heterozygote.
Comment: This study involves interpretation of variants in research participants for the purpose of population health screening. Participant phenotype was not available at the time of variant classification. Additional details can be found in publication PMID: 35346344, PMCID: PMC8962531